The following is an entry in ClinVar:

NM_000059.4(BRCA2):c.1794A>G (p.Thr598=)

Gene: BRCA2 (BRCA2 DNA repair associated; plus strand). Cytogenetic location: 13q13.1.
Variant type: single nucleotide variant.
Coding change: c.1794A>G on transcript NM_000059.4 (MANE Select); coding-DNA position 1794, A replaced by G.
Protein change: p.Thr598=; no amino-acid change (threonine 598 retained).
Molecular consequence: synonymous variant.
Genome position (GRCh38, 1-based): chr13:32,333,272, A>G. VCF-style: chr13-32333272-A-G. GRCh37 (hg19) VCF-style: chr13-32907409-A-G.
Identifiers: ClinVar variation 462243 (VCV000462243.18), dbSNP rs1159099773, ClinGen allele CA483436870.

ClinVar aggregate classification (germline): Conflicting classifications of pathogenicity. Review status: criteria provided, conflicting classifications (1 of 4 stars). 6 submissions from 6 submitters: Uncertain significance (1); Likely benign (5). Last evaluated 2025-11-10.

Conditions:
Hereditary cancer-predisposing syndrome. Also called: Neoplastic Syndromes, Hereditary; Hereditary Cancer Syndrome; Hereditary neoplastic syndrome; Tumor predisposition. Identifiers: Orphanet 140162, MedGen C0027672, MeSH D009386, MONDO:0015356.
Hereditary breast ovarian cancer syndrome. Also called: Hereditary breast and ovarian cancer syndrome (HBOC); Hereditary breast and ovarian cancer syndrome; Breast and ovarian cancer; Hereditary breast and/or ovarian cancer syndrome; Hereditary breast and ovarian cancer; BRCA1- and BRCA2-Associated Hereditary Breast and Ovarian Cancer. Identifiers: Orphanet 145, MedGen C0677776, MeSH D061325, MONDO:0003582. Disease mechanism: loss of function.
BRCA2-related cancer predisposition. Identifiers: MedGen CN377758, MONDO:0700269.

Allele frequency attached by ClinVar (database versions not stated): gnomAD exomes below 0.00001; gnomAD 0.00001; TOPMed 0.00001.

Submissions (6):

Women's Health and Genetics/Laboratory Corporation of America, LabCorp
Classification: Likely benign. Last evaluated: 2025-11-10. Review status: criteria provided, single submitter. Criteria: LabCorp Variant Classification Summary - May 2015. Collection method: clinical testing. Allele origin: germline.

Labcorp Genetics (formerly Invitae), Labcorp
Classification: Likely benign for Hereditary breast ovarian cancer syndrome. Last evaluated: 2025-05-19. Review status: criteria provided, single submitter. Criteria: Invitae Variant Classification Sherloc (09022015). Collection method: clinical testing. Allele origin: germline.

All of Us Research Program, National Institutes of Health
Classification: Likely benign for BRCA2-related cancer predisposition. Last evaluated: 2024-03-05. Review status: criteria provided, single submitter. Criteria: ACMG Guidelines, 2015. Collection method: clinical testing. Allele origin: germline. Inheritance: Autosomal dominant inheritance. Observed: 1 variant allele, 1 heterozygote.
Comment: This study involves interpretation of variants in research participants for the purpose of population health screening. Participant phenotype was not available at the time of variant classification. Additional details can be found in publication PMID: 35346344, PMCID: PMC8962531

Quest Diagnostics Nichols Institute San Juan Capistrano
Classification: Likely benign. Last evaluated: 2023-08-25. Review status: criteria provided, single submitter. Criteria: Quest Diagnostics criteria. Collection method: clinical testing. Allele origin: unknown.

GeneDx
Classification: Uncertain significance. Last evaluated: 2023-06-12. Review status: criteria provided, single submitter. Criteria: GeneDx Variant Classification Process June 2021. Collection method: clinical testing. Allele origin: germline. Affected: yes.
Comment: Not observed at significant frequency in large population cohorts (gnomAD); In silico analysis supports that this variant does not alter splicing; Has not been previously published as pathogenic or benign to our knowledge; Also known as 2022A>G

Ambry Genetics
Classification: Likely benign for Hereditary cancer-predisposing syndrome. Last evaluated: 2016-07-13. Review status: criteria provided, single submitter. Criteria: Ambry Variant Classification Scheme 2023. Collection method: clinical testing. Allele origin: germline.

Literature cited by the submitters: PubMed 33471991 (cited by Quest Diagnostics Nichols Institute San Juan Capistrano); PubMed 35979650 (cited by Quest Diagnostics Nichols Institute San Juan Capistrano).